The following is an entry in ClinVar:

ClinVar aggregate classification (germline): Uncertain significance. Review status: criteria provided, multiple submitters, no conflicts (2 of 4 stars). 3 submissions from 3 submitters: Uncertain significance (3). Last evaluated 2025-08-01.

Allele frequency attached by ClinVar (database versions not stated): gnomAD exomes below 0.00001; ExAC 0.00001; gnomAD 0.00001; TOPMed 0.00001; ESP Exome Variant Server 0.00008.
gnomAD v4.1: 4 of 1,614,012 alleles (0.00025%); highest among the groups gnomAD compares: Non-Finnish European, 0.00034%; no homozygotes.

Submissions (3):

CeGaT Center for Human Genetics Tuebingen
Classification: Uncertain significance. Last evaluated: 2025-08-01. Review status: criteria provided, single submitter. Criteria: CeGaT Center For Human Genetics Tuebingen Variant Classification Criteria Version 2. Collection method: clinical testing. Allele origin: germline. Affected: yes. Observed: 2 variant alleles.
Comment: HTRA1: PM2, PM5, PP3

Labcorp Genetics (formerly Invitae), Labcorp
Classification: Uncertain significance. Last evaluated: 2025-01-20. Review status: criteria provided, single submitter. Criteria: Invitae Variant Classification Sherloc (09022015). Collection method: clinical testing. Allele origin: germline.
Comment: This sequence change replaces alanine, which is neutral and non-polar, with valine, which is neutral and non-polar, at codon 173 of the HTRA1 protein (p.Ala173Val). This variant is present in population databases (rs370751496, gnomAD 0.0009%). This variant has not been reported in the literature in individuals affected with HTRA1-related conditions. ClinVar contains an entry for this variant (Variation ID: 1298499). Invitae Evidence Modeling of protein sequence and biophysical properties (such as structural, functional, and spatial information, amino acid conservation, physicochemical variation, residue mobility, and thermodynamic stability) has been performed for this missense variant. However, the output from this modeling did not meet the statistical confidence thresholds required to predict the impact of this variant on HTRA1 protein function. This variant disrupts the p.Ala173 amino acid residue in HTRA1. Other variant(s) that disrupt this residue have been observed in individuals with HTRA1-related conditions (PMID: 25957642, 31316458), which suggests that this may be a clinically significant amino acid residue. In summary, the available evidence is currently insufficient to determine the role of this variant in disease. Therefore, it has been classified as a Variant of Uncertain Significance.

Blueprint Genetics
Classification: Uncertain significance. Last evaluated: 2024-08-05. Review status: criteria provided, single submitter. Criteria: ACMG Guidelines, 2015. Collection method: clinical testing. Allele origin: germline.

Literature cited by the submitters: PubMed 25957642 (cited by Labcorp Genetics (formerly Invitae), Labcorp); PubMed 31316458 (cited by Labcorp Genetics (formerly Invitae), Labcorp).

NM_002775.5(HTRA1):c.518C>T (p.Ala173Val)

Gene: HTRA1 (HtrA serine peptidase 1; plus strand). Cytogenetic location: 10q26.13.
Variant type: single nucleotide variant.
Coding change: c.518C>T on transcript NM_002775.5 (MANE Select); coding-DNA position 518, C replaced by T.
Protein change: p.Ala173Val; replaces alanine 173 with valine.
Molecular consequence: missense variant.
Genome position (GRCh38, 1-based): chr10:122,488,947, C>T. VCF-style: chr10-122488947-C-T. GRCh37 (hg19) VCF-style: chr10-124248463-C-T.
Other names: short protein forms A173V.
Identifiers: ClinVar variation 1298499 (VCV001298499.42), dbSNP rs370751496, ClinGen allele CA5725841.